The following is an entry in ClinVar:

ClinVar aggregate classification (germline): Uncertain significance. Review status: criteria provided, multiple submitters, no conflicts (2 of 4 stars). 2 submissions from 2 submitters: Uncertain significance (2). Last evaluated 2024-12-16.

Conditions:
Hereditary cancer-predisposing syndrome. Also called: Hereditary Cancer Syndrome; Neoplastic Syndromes, Hereditary; Hereditary neoplastic syndrome; Tumor predisposition. Identifiers: Orphanet 140162, MedGen C0027672, MeSH D009386, MONDO:0015356.
Tuberous sclerosis 1 (TSC1). Identifiers: Orphanet 805, MedGen C1854465, MONDO:0008612, OMIM 191100.

Submissions (2):

Ambry Genetics
Classification: Uncertain significance for Hereditary cancer-predisposing syndrome. Last evaluated: 2024-12-16. Review status: criteria provided, single submitter. Criteria: Ambry Variant Classification Scheme 2023. Collection method: clinical testing. Allele origin: germline.
Comment: The p.K741T variant (also known as c.2222A>C), located in coding exon 16 of the TSC1 gene, results from an A to C substitution at nucleotide position 2222. The lysine at codon 741 is replaced by threonine, an amino acid with similar properties. This amino acid position is not well conserved in available vertebrate species. In addition, the in silico prediction for this alteration is inconclusive. Since supporting evidence is limited at this time, the clinical significance of this alteration remains unclear.

Labcorp Genetics (formerly Invitae), Labcorp
Classification: Uncertain significance for Tuberous sclerosis 1. Last evaluated: 2021-05-03. Review status: criteria provided, single submitter. Criteria: Invitae Variant Classification Sherloc (09022015). Collection method: clinical testing. Allele origin: germline.
Comment: In summary, the available evidence is currently insufficient to determine the role of this variant in disease. Therefore, it has been classified as a Variant of Uncertain Significance. Algorithms developed to predict the effect of missense changes on protein structure and function (SIFT, PolyPhen-2, Align-GVGD) all suggest that this variant is likely to be tolerated, but these predictions have not been confirmed by published functional studies and their clinical significance is uncertain. This variant has not been reported in the literature in individuals with TSC1-related conditions. ClinVar contains an entry for this variant (Variation ID: 820921). This variant is not present in population databases (ExAC no frequency). This sequence change replaces lysine with threonine at codon 741 of the TSC1 protein (p.Lys741Thr). The lysine residue is highly conserved and there is a moderate physicochemical difference between lysine and threonine.

NM_000368.5(TSC1):c.2222A>C (p.Lys741Thr)

Gene: TSC1 (TSC complex subunit 1; minus strand). Cytogenetic location: 9q34.13.
Variant type: single nucleotide variant.
Coding change: c.2222A>C on transcript NM_000368.5 (MANE Select); coding-DNA position 2222, A replaced by C.
Protein change: p.Lys741Thr; replaces lysine 741 with threonine.
Molecular consequence: missense variant.
Genome position (GRCh38, 1-based): chr9:132,902,774, T>G on the plus strand (A>C on the coding strand, the complement: TSC1 is on the minus strand). VCF-style: chr9-132902774-T-G. GRCh37 (hg19) VCF-style: chr9-135778161-T-G.
Other names: c.2219A>C, p.Lys740Thr (NM_001162426.2); c.2069A>C, p.Lys690Thr (NM_001162427.2); c.1859A>C, p.Lys620Thr (NM_001362177.2); short protein forms K620T, K741T, K690T, K740T.
Identifiers: ClinVar variation 820921 (VCV000820921.12), dbSNP rs1588302047, ClinGen allele CA375360085.